The following is an entry in ClinVar:

NM_019842.4(KCNQ5):c.2008G>A (p.Ala670Thr)

Gene: KCNQ5 (potassium voltage-gated channel subfamily Q member 5; plus strand). Cytogenetic location: 6q13.
Variant type: single nucleotide variant.
Coding change: c.2008G>A on transcript NM_019842.4 (MANE Select); coding-DNA position 2008, G replaced by A.
Protein change: p.Ala670Thr; replaces alanine 670 with threonine.
Molecular consequence: missense variant.
Genome position (GRCh38, 1-based): chr6:73,194,623, G>A. VCF-style: chr6-73194623-G-A. GRCh37 (hg19) VCF-style: chr6-73904346-G-A.
Other names: c.1981G>A, p.Ala661Thr (NM_001160130.2); c.2038G>A, p.Ala680Thr (NM_001160132.2); c.2065G>A, p.Ala689Thr (NM_001160133.2); c.1678G>A, p.Ala560Thr (NM_001160134.2); short protein forms A560T, A661T, A670T, A680T, A689T.
Identifiers: ClinVar variation 1574715 (VCV001574715.22), dbSNP rs146030736, ClinGen allele CA3887187.

ClinVar aggregate classification (germline): Benign/Likely benign. Review status: criteria provided, multiple submitters, no conflicts (2 of 4 stars). 3 submissions from 3 submitters: Benign (1); Likely benign (2). Last evaluated 2026-01-09.

Allele frequency attached by ClinVar (database versions not stated): gnomAD exomes 0.00045; ExAC 0.00056; 1000 Genomes Project 0.00100; 1000 Genomes Project 30x 0.00125; gnomAD 0.00145 and 0.00156; TOPMed 0.00164; ESP Exome Variant Server 0.00185.
gnomAD v4.1: 493 of 1,614,140 alleles (0.031%); highest among the groups gnomAD compares: African/African-American, 0.48%; 3 homozygotes.

Submissions (3):

Labcorp Genetics (formerly Invitae), Labcorp
Classification: Benign. Last evaluated: 2026-01-09. Review status: criteria provided, single submitter. Criteria: Invitae Variant Classification Sherloc (09022015). Collection method: clinical testing. Allele origin: germline.

CeGaT Center for Human Genetics Tuebingen
Classification: Likely benign. Last evaluated: 2024-12-01. Review status: criteria provided, single submitter. Criteria: CeGaT Center For Human Genetics Tuebingen Variant Classification Criteria Version 2. Collection method: clinical testing. Allele origin: germline. Affected: yes. Observed: 1 variant allele.
Comment: KCNQ5: BS1

Blueprint Genetics
Classification: Likely benign. Last evaluated: 2024-10-28. Review status: criteria provided, single submitter. Criteria: ACMG Guidelines, 2015. Collection method: clinical testing. Allele origin: germline.